The following is an entry in ClinVar:

NM_001378969.1(KCND3):c.295C>A (p.Arg99Ser)

Gene: KCND3 (potassium voltage-gated channel subfamily D member 3; minus strand). Cytogenetic location: 1p13.2.
Variant type: single nucleotide variant.
Coding change: c.295C>A on transcript NM_001378969.1 (MANE Select); coding-DNA position 295, C replaced by A.
Protein change: p.Arg99Ser; replaces arginine 99 with serine.
Molecular consequence: missense variant.
Genome position (GRCh38, 1-based): chr1:111,982,432, G>T on the plus strand (C>A on the coding strand, the complement: KCND3 is on the minus strand). VCF-style: chr1-111982432-G-T. GRCh37 (hg19) VCF-style: chr1-112525054-G-T.
Other names: c.295C>A, p.Arg99Ser (NM_001378970.1, NM_004980.5, NM_172198.3); short protein forms R99S.
Identifiers: ClinVar variation 4090220 (VCV004090220.1).

ClinVar aggregate classification (germline): Uncertain significance (1 of 4 stars; one submission).

Conditions:
Cardiovascular phenotype. Identifiers: MedGen CN230736.

Submission:

Ambry Genetics
Classification: Uncertain significance for Cardiovascular phenotype. Last evaluated: 2025-08-28. Review status: criteria provided, single submitter. Criteria: Ambry Variant Classification Scheme 2023. Collection method: clinical testing. Allele origin: germline.
Comment: The p.R99S variant (also known as c.295C>A), located in coding exon 1 of the KCND3 gene, results from a C to A substitution at nucleotide position 295. The arginine at codon 99 is replaced by serine, an amino acid with dissimilar properties. This amino acid position is conserved. In addition, this alteration is predicted to be deleterious by in silico analysis. Based on the available evidence, the clinical significance of this variant remains unclear.